The following is an entry in ClinVar:

NM_001282225.2(ADA2):c.635T>C (p.Phe212Ser)

Gene: ADA2 (adenosine deaminase 2; minus strand). Cytogenetic location: 22q11.1.
Variant type: single nucleotide variant.
Coding change: c.635T>C on transcript NM_001282225.2 (MANE Select); coding-DNA position 635, T replaced by C.
Protein change: p.Phe212Ser; replaces phenylalanine 212 with serine.
Molecular consequence: missense variant.
Genome position (GRCh38, 1-based): chr22:17,203,681, A>G on the plus strand (T>C on the coding strand, the complement: ADA2 is on the minus strand). VCF-style: chr22-17203681-A-G. GRCh37 (hg19) VCF-style: chr22-17684571-A-G.
Other names: c.635T>C, p.Phe212Ser (NM_001282226.2); c.509T>C, p.Phe170Ser (NM_001282227.2, NM_001282228.2); c.275T>C, p.Phe92Ser (NM_001282229.2); short protein forms F212S, F92S, F170S.
Identifiers: ClinVar variation 1395186 (VCV001395186.5), dbSNP rs1268480139, ClinGen allele CA410228465.
Genomic context (GRCh38, chr22:17,203,681, plus strand): 5'-ATGCTCCGGAAGACATAGTCTCTGAACACTGGTGCGTAATGGATGAGACCAGAGATGGTG[A>G]AGAAGATGGTTTCAAATTTCGACCAGACAACATTTTGGTTTGTGTAAATCACCTCCGGGT-3'
Protein context (NP_001269154.1, residues 202-222): VVWSKFETIF[Phe212Ser]TISGLIHYAP

ClinVar aggregate classification (germline): Uncertain significance (1 of 4 stars; one submission).

Conditions:
Deficiency of adenosine deaminase 2. Also called: VASCULITIS, AUTOINFLAMMATION, IMMUNODEFICIENCY, AND HEMATOLOGIC DEFECTS SYNDROME; Polyarteritis nodosa, childhoood-onset; Adenosine Deaminase 2 Deficiency. Identifiers: Orphanet 404553, MedGen C3887654, MONDO:0014306, OMIM 615688, MONDO:0100317.

Allele frequency attached by ClinVar (database versions not stated): TOPMed 0.00001; gnomAD exomes 0.00003.
gnomAD v4.1: 21 of 1,614,070 alleles (0.0013%); highest among the groups gnomAD compares: Non-Finnish European, 0.0018%; no homozygotes.

Submission:

Labcorp Genetics (formerly Invitae), Labcorp
Classification: Uncertain significance for Deficiency of adenosine deaminase 2. Last evaluated: 2022-06-13. Review status: criteria provided, single submitter. Criteria: Invitae Variant Classification Sherloc (09022015). Collection method: clinical testing. Allele origin: germline.
Comment: This sequence change replaces phenylalanine, which is neutral and non-polar, with serine, which is neutral and polar, at codon 212 of the ADA2 protein (p.Phe212Ser). This variant is not present in population databases (gnomAD no frequency). This variant has not been reported in the literature in individuals affected with ADA2-related conditions. Algorithms developed to predict the effect of missense changes on protein structure and function output the following: SIFT: "Tolerated"; PolyPhen-2: "Benign"; Align-GVGD: "Class C0". The serine amino acid residue is found in multiple mammalian species, which suggests that this missense change does not adversely affect protein function. In summary, the available evidence is currently insufficient to determine the role of this variant in disease. Therefore, it has been classified as a Variant of Uncertain Significance.